The following is an entry in ClinVar:

NM_001364857.2(ADGRB2):c.862A>C (p.Lys288Gln)

Gene: ADGRB2 (adhesion G protein-coupled receptor B2; minus strand). Cytogenetic location: 1p35.2.
Variant type: single nucleotide variant.
Coding change: c.862A>C on transcript NM_001364857.2 (MANE Select); coding-DNA position 862, A replaced by C.
Protein change: p.Lys288Gln; replaces lysine 288 with glutamine.
Molecular consequence: missense variant.
Genome position (GRCh38, 1-based): chr1:31,744,708, T>G on the plus strand (A>C on the coding strand, the complement: ADGRB2 is on the minus strand). VCF-style: chr1-31744708-T-G. GRCh37 (hg19) VCF-style: chr1-32210309-T-G.
Other names: c.862A>C, p.Lys288Gln (NM_001294335.2, NM_001294336.2); short protein forms K288Q.
Identifiers: ClinVar variation 1496002 (VCV001496002.6), dbSNP rs2148982602, ClinGen allele CA339616887.

ClinVar aggregate classification (germline): Uncertain significance (1 of 4 stars; one submission).

Submission:

Labcorp Genetics (formerly Invitae), Labcorp
Classification: Uncertain significance. Last evaluated: 2021-11-02. Review status: criteria provided, single submitter. Criteria: Invitae Variant Classification Sherloc (09022015). Collection method: clinical testing. Allele origin: germline.
Comment: This sequence change replaces lysine, which is basic and polar, with glutamine, which is neutral and polar, at codon 288 of the ADGRB2 protein (p.Lys288Gln). In summary, the available evidence is currently insufficient to determine the role of this variant in disease. Therefore, it has been classified as a Variant of Uncertain Significance. Algorithms developed to predict the effect of missense changes on protein structure and function are either unavailable or do not agree on the potential impact of this missense change (SIFT: "Tolerated"; PolyPhen-2: "Probably Damaging"; Align-GVGD: "Class C0"). This variant has not been reported in the literature in individuals affected with ADGRB2-related conditions. This variant is not present in population databases (gnomAD no frequency).